The following is an entry in ClinVar:

NM_000548.5(TSC2):c.3338A>T (p.Glu1113Val)

Gene: TSC2 (TSC complex subunit 2; plus strand). Cytogenetic location: 16p13.3.
Variant type: single nucleotide variant.
Coding change: c.3338A>T on transcript NM_000548.5 (MANE Select); coding-DNA position 3338, A replaced by T.
Protein change: p.Glu1113Val; replaces glutamic acid 1113 with valine.
Molecular consequence: missense variant. On other transcripts: non-coding transcript variant (5).
Genome position (GRCh38, 1-based): chr16:2,079,610, A>T. VCF-style: chr16-2079610-A-T. GRCh37 (hg19) VCF-style: chr16-2129611-A-T.
Other names: c.3206A>T, p.Glu1069Val (NM_001077183.3, NM_001370404.1, NM_001406665.1); c.3338A>T, p.Glu1113Val (NM_001114382.3); c.3098A>T, p.Glu1033Val (NM_001318827.2); c.3062A>T, p.Glu1021Val (NM_001318829.2); c.2606A>T, p.Glu869Val (NM_001318831.2, NM_001406687.1, NM_001406688.1); c.3239A>T, p.Glu1080Val (NM_001318832.2); c.3209A>T, p.Glu1070Val (NM_001363528.2, NM_001370405.1, NM_021055.3); c.3335A>T, p.Glu1112Val (NM_001406663.1, NM_001406664.1); and 18 more; short protein forms E1020V, E1021V, E1032V, E1033V, E1050V, E1063V, E1064V, E1065V.
Identifiers: ClinVar variation 3232140 (VCV003232140.1), dbSNP rs2151445909, ClinGen allele CA394286622.

ClinVar aggregate classification (germline): Uncertain significance (1 of 4 stars; one submission).

Conditions:
Hereditary cancer-predisposing syndrome. Also called: Neoplastic Syndromes, Hereditary; Tumor predisposition; Hereditary neoplastic syndrome; Hereditary Cancer Syndrome. Identifiers: Orphanet 140162, MedGen C0027672, MeSH D009386, MONDO:0015356.

Submission:

Ambry Genetics
Classification: Uncertain significance for Hereditary cancer-predisposing syndrome. Last evaluated: 2023-12-07. Review status: criteria provided, single submitter. Criteria: Ambry Variant Classification Scheme 2023. Collection method: clinical testing. Allele origin: germline.
Comment: The p.E1113V variant (also known as c.3338A>T), located in coding exon 28 of the TSC2 gene, results from an A to T substitution at nucleotide position 3338. The glutamic acid at codon 1113 is replaced by valine, an amino acid with dissimilar properties. This amino acid position is conserved. In addition, this alteration is predicted to be deleterious by in silico analysis. Since supporting evidence is limited at this time, the clinical significance of this alteration remains unclear.